The following is an entry in ClinVar:

ClinVar aggregate classification (germline): Uncertain significance (1 of 4 stars; one submission).

Allele frequency attached by ClinVar (database versions not stated): gnomAD exomes 0.00005; TOPMed 0.00007; gnomAD 0.00013 and 0.00014.
gnomAD v4.1: 31 of 1,613,108 alleles (0.0019%); highest among the groups gnomAD compares: Admixed American, 0.052%; 1 homozygote.

Submission:

Genetic Services Laboratory, University of Chicago
Classification: Uncertain significance. Last evaluated: 2021-02-23. Review status: criteria provided, single submitter. Criteria: ACMG Guidelines, 2015. Collection method: clinical testing. Allele origin: germline. Affected: no.
Comment: DNA sequence analysis of the CREBBP gene demonstrated a sequence change, c.6814G>A, in exon 31 that results in an amino acid change, p.Gly2272Ser. This sequence change has been described in gnomAD with a low population frequency of 0048% (dbSNP rs1351901078). The p.Gly2272Ser change affects a poorly conserved amino acid residue located in a domain of the CREBBP protein that is not known to be functional. The p.Gly2272Ser substitution appears to be benign using several in-silico pathogenicity prediction tools (SIFT, PolyPhen2, Align GVGD, REVEL). This sequence change does not appear to have been previously described in patients with CREBBP-related disorders. Due to lack of sufficient evidences, the clinical significance of the p.Gly2272Ser change remains unknown at this time.

NM_004380.3(CREBBP):c.6814G>A (p.Gly2272Ser)

Gene: CREBBP (CREB binding protein; minus strand). Cytogenetic location: 16p13.3.
Variant type: single nucleotide variant.
Coding change: c.6814G>A on transcript NM_004380.3 (MANE Select); coding-DNA position 6814, G replaced by A.
Protein change: p.Gly2272Ser; replaces glycine 2272 with serine.
Molecular consequence: missense variant.
Genome position (GRCh38, 1-based): chr16:3,728,233, C>T on the plus strand (G>A on the coding strand, the complement: CREBBP is on the minus strand). VCF-style: chr16-3728233-C-T. GRCh37 (hg19) VCF-style: chr16-3778234-C-T.
Other names: c.6700G>A, p.Gly2234Ser (NM_001079846.1); short protein forms G2234S, G2272S.
Identifiers: ClinVar variation 1337849 (VCV001337849.4), dbSNP rs1351901078, ClinGen allele CA394551692.